The following is an entry in ClinVar:

NM_000053.4(ATP7B):c.1495T>C (p.Cys499Arg)

Gene: ATP7B (ATPase copper transporting beta; minus strand). Cytogenetic location: 13q14.3.
Variant type: single nucleotide variant.
Coding change: c.1495T>C on transcript NM_000053.4 (MANE Select); coding-DNA position 1495, T replaced by C.
Protein change: p.Cys499Arg; replaces cysteine 499 with arginine.
Molecular consequence: missense variant.
Genome position (GRCh38, 1-based): chr13:51,970,540, A>G on the plus strand (T>C on the coding strand, the complement: ATP7B is on the minus strand). VCF-style: chr13-51970540-A-G. GRCh37 (hg19) VCF-style: chr13-52544676-A-G.
Other names: c.1495T>C, p.Cys499Arg (NM_001005918.3, NM_001330578.2, NM_001330579.2); c.1162T>C, p.Cys388Arg (NM_001243182.2); short protein forms C388R, C499R.
Identifiers: ClinVar variation 974966 (VCV000974966.7), dbSNP rs749968753, ClinGen allele CA388035404.

ClinVar aggregate classification (germline): Uncertain significance. Review status: criteria provided, multiple submitters, no conflicts (2 of 4 stars). 2 submissions from 2 submitters: Uncertain significance (2). Last evaluated 2024-04-05.

Conditions:
Wilson disease (WND). Also called: Wilson's disease. Identifiers: Orphanet 905, MedGen C0019202, MONDO:0010200, OMIM 277900. Disease mechanism: loss of function.

gnomAD v4.1: 1 of 1,614,190 alleles (0.000062%); highest among the groups gnomAD compares: Non-Finnish European, 0.000085%; no homozygotes.

Submissions (2):

Women's Health and Genetics/Laboratory Corporation of America, LabCorp
Classification: Uncertain significance. Last evaluated: 2024-04-05. Review status: criteria provided, single submitter. Criteria: LabCorp Variant Classification Summary - May 2015. Collection method: clinical testing. Allele origin: germline.
Comment: Variant summary: ATP7B c.1495T>C (p.Cys499Arg) results in a non-conservative amino acid change located in the fifth metal-binding domain (MBD5; IPR006122), affecting a copper-binding cysteine residue (UniProt, PMIDs: 18558714, 20032459) of the encoded protein sequence. Five of five in-silico tools predict a damaging effect of the variant on protein function. The variant was absent in 249366 control chromosomes (gnomAD). The available data on variant occurrences in the general population are insufficient to allow any conclusion about variant significance. To our knowledge, no occurrence of c.1495T>C in individuals affected with Wilson Disease and no experimental evidence demonstrating its impact on protein function have been reported. ClinVar contains an entry for this variant (Variation ID: 974966). Based on the evidence outlined above, the variant was classified as uncertain significance.

Labcorp Genetics (formerly Invitae), Labcorp
Classification: Uncertain significance for Wilson disease. Last evaluated: 2022-05-14. Review status: criteria provided, single submitter. Criteria: Invitae Variant Classification Sherloc (09022015). Collection method: clinical testing. Allele origin: germline.
Comment: In summary, the available evidence is currently insufficient to determine the role of this variant in disease. Therefore, it has been classified as a Variant of Uncertain Significance. Advanced modeling of protein sequence and biophysical properties (such as structural, functional, and spatial information, amino acid conservation, physicochemical variation, residue mobility, and thermodynamic stability) performed at Invitae indicates that this missense variant is expected to disrupt ATP7B protein function. ClinVar contains an entry for this variant (Variation ID: 974966). This variant has not been reported in the literature in individuals affected with ATP7B-related conditions. This variant is not present in population databases (gnomAD no frequency). This sequence change replaces cysteine, which is neutral and slightly polar, with arginine, which is basic and polar, at codon 499 of the ATP7B protein (p.Cys499Arg).